The following is an entry in ClinVar:

NM_030665.4(RAI1):c.2020G>A (p.Asp674Asn)

Gene: RAI1 (retinoic acid induced 1; plus strand). Cytogenetic location: 17p11.2.
Variant type: single nucleotide variant.
Coding change: c.2020G>A on transcript NM_030665.4 (MANE Select); coding-DNA position 2020, G replaced by A.
Protein change: p.Asp674Asn; replaces aspartic acid 674 with asparagine.
Molecular consequence: missense variant.
Genome position (GRCh38, 1-based): chr17:17,794,968, G>A. VCF-style: chr17-17794968-G-A. GRCh37 (hg19) VCF-style: chr17-17698282-G-A.
Other names: c.2020G>A (NM_030665.3); short protein forms D674N.
Identifiers: ClinVar variation 3233655 (VCV003233655.3), dbSNP rs1351882702, ClinGen allele CA398549820.

ClinVar aggregate classification (germline): Uncertain significance. Review status: criteria provided, multiple submitters, no conflicts (2 of 4 stars). 2 submissions from 2 submitters: Uncertain significance (2). Last evaluated 2025-09-25.

Conditions:
RAI1-related disorder. Also called: RAI1-related condition.

Allele frequency attached by ClinVar (database versions not stated): gnomAD 0.00001.
gnomAD v4.1: 1 of 1,613,764 alleles (0.000062%); highest among the groups gnomAD compares: Non-Finnish European, 0.000085%; no homozygotes.

Submissions (2):

PreventionGenetics, part of Exact Sciences
Classification: Uncertain significance for RAI1-related condition. Last evaluated: 2025-09-25. Review status: criteria provided, single submitter. Criteria: ACMG Guidelines, 2015. Collection method: clinical testing. Allele origin: germline.
Comment: The RAI1 c.2020G>A variant is predicted to result in the amino acid substitution p.Asp674Asn. To our knowledge, this variant has not been reported in the literature. This variant is reported in 0.0065% of alleles in individuals of European (Non-Finnish) descent in gnomAD. At this time, the clinical significance of this variant is uncertain due to the absence of conclusive functional and genetic evidence.

Women's Health and Genetics/Laboratory Corporation of America, LabCorp
Classification: Uncertain significance. Last evaluated: 2024-03-05. Review status: criteria provided, single submitter. Criteria: LabCorp Variant Classification Summary - May 2015. Collection method: clinical testing. Allele origin: germline.
Comment: Variant summary: RAI1 c.2020G>A (p.Asp674Asn) results in a conservative amino acid change in the encoded protein sequence. Four of five in-silico tools predict a benign effect of the variant on protein function. The frequency data for this variant in gnomAD is considered unreliable, as metrics indicate poor data quality at this position. To our knowledge, no occurrence of c.2020G>A in individuals affected with Smith-Magenis Syndrome and no experimental evidence demonstrating its impact on protein function have been reported. No submitters have cited clinical-significance assessments for this variant to ClinVar. Based on the evidence outlined above, the variant was classified as uncertain significance.